The following is an entry in ClinVar:

ClinVar aggregate classification (germline): Likely benign (1 of 4 stars; one submission).

gnomAD v4.1: 16 of 1,613,206 alleles (0.00099%); highest among the groups gnomAD compares: African/African-American, 0.0027%; no homozygotes.

Submission:

CeGaT Center for Human Genetics Tuebingen
Classification: Likely benign. Last evaluated: 2023-02-01. Review status: criteria provided, single submitter. Criteria: CeGaT Center For Human Genetics Tuebingen Variant Classification Criteria Version 2. Collection method: clinical testing. Allele origin: germline. Affected: yes. Observed: 1 variant allele.
Comment: QTMAN: BP4, BP7

NM_001376312.2(QTMAN):c.1308G>A (p.Pro436=)

Genes: QTMAN (queuosine-tRNA mannosyltransferase; minus strand), QTMAN-AS1 (QTMAN antisense RNA 1; plus strand). Cytogenetic location: 2q22.3.
Variant type: single nucleotide variant.
Coding change: c.1308G>A on transcript NM_001376312.2 (MANE Select); coding-DNA position 1308, G replaced by A.
Protein change: p.Pro436=; no amino-acid change (proline 436 retained).
Molecular consequence: synonymous variant. On other transcripts: 3 prime UTR variant (6), non-coding transcript variant (12).
Genome position (GRCh38, 1-based): chr2:143,947,121, C>T on the plus strand (G>A on the coding strand, the complement: QTMAN is on the minus strand). VCF-style: chr2-143947121-C-T. GRCh37 (hg19) VCF-style: chr2-144704688-C-T.
Other names: c.1308G>A, p.Pro436= (NM_001006636.5, NM_001164629.5, NM_001354354.2 and 9 more transcripts); c.*32G>A (NM_001284233.4, NM_001354360.2, NM_001376317.2 and 3 more transcripts); c.921G>A, p.Pro307= (NM_001284234.3, NM_001354351.2); c.1212G>A, p.Pro404= (NM_001284238.3); c.852G>A, p.Pro284= (NM_001354350.2, NM_001354355.3, NM_001376329.2); c.954G>A, p.Pro318= (NM_001354352.2, NM_001354362.3, NM_001376325.2 and 3 more transcripts); c.738G>A, p.Pro246= (NM_001354353.2); c.1455G>A, p.Pro485= (NM_001376306.2); and 3 more.
Identifiers: ClinVar variation 2651392 (VCV002651392.24), dbSNP rs35152029, ClinGen allele CA1897670.
Genomic context (GRCh38, chr2:143,947,121, plus strand): 5'-TTCCCTAGGTTCTGTTGTAAGCAGAGACCTGAATTTACCATGTAGGGCTGCCCAAGAAAA[C>T]GGAGCGATTTCACCCTGCAACGAGGAGGAGGGAGAGAAGAGAAAGAAGTGAAGAGCATTA-3'
Protein context (NP_001363241.1, residues 426-446): RKHLYKGEIA[Pro436=]FSWAALHGKF